The following is an entry in ClinVar:

ClinVar aggregate classification (germline): Uncertain significance (1 of 4 stars; one submission).

Conditions:
Inborn genetic diseases. Identifiers: MedGen C0950123, MeSH D030342.

Submission:

Ambry Genetics
Classification: Uncertain significance for Inborn genetic diseases. Last evaluated: 2023-11-17. Review status: criteria provided, single submitter. Criteria: Ambry Variant Classification Scheme 2023. Collection method: clinical testing. Allele origin: germline.
Comment: The p.I421S variant (also known as c.1262T>G), located in coding exon 3 of the UBE3A gene, results from a T to G substitution at nucleotide position 1262. The isoleucine at codon 421 is replaced by serine, an amino acid with dissimilar properties. This amino acid position is highly conserved in available vertebrate species. In addition, this alteration is predicted to be deleterious by in silico analysis. Since supporting evidence is limited at this time, the clinical significance of this alteration remains unclear.

NM_130839.5(UBE3A):c.1322T>G (p.Ile441Ser)

Genes: SNHG14 (small nucleolar RNA host gene 14; plus strand), UBE3A (ubiquitin protein ligase E3A; minus strand). Cytogenetic location: 15q11.2.
Variant type: single nucleotide variant.
Coding change: c.1322T>G on transcript NM_130839.5 (MANE Select); coding-DNA position 1322, T replaced by G.
Protein change: p.Ile441Ser; replaces isoleucine 441 with serine.
Molecular consequence: missense variant. On other transcripts: non-coding transcript variant (1), intron variant (2).
Genome position (GRCh38, 1-based): chr15:25,370,852, A>C on the plus strand (T>G on the coding strand, the complement: UBE3A is on the minus strand). VCF-style: chr15-25370852-A-C. GRCh37 (hg19) VCF-style: chr15-25615999-A-C.
Other names: c.1331T>G, p.Ile444Ser (NM_000462.5); c.1322T>G, p.Ile441Ser (NM_001354505.1, NM_001354538.2, NM_001354545.2); c.1262T>G, p.Ile421Ser (NM_001354506.2, NM_001354507.2, NM_001354508.2 and 17 more transcripts); c.1145T>G, p.Ile382Ser (NM_001354546.2); c.301+4613T>G (NM_001354551.2); c.361+4613T>G (NM_001354550.2); short protein forms I382S, I444S, I421S, I441S.
Identifiers: ClinVar variation 1763491 (VCV001763491.2), dbSNP rs2080199367, ClinGen allele CA391353871.